The following is an entry in ClinVar:

ClinVar aggregate classification (germline): Benign/Likely benign. Review status: criteria provided, multiple submitters, no conflicts (2 of 4 stars). 3 submissions from 3 submitters: Benign (1); Likely benign (1). 1 of the submissions does not count toward it. Last evaluated 2024-10-01.

Conditions:
TRPM7-related disorder. Also called: TRPM7-related condition.

Allele frequency attached by ClinVar (database versions not stated): 1000 Genomes Project 30x 0.00125; 1000 Genomes Project 0.00140; TOPMed 0.00240; gnomAD 0.00262 and 0.00272; gnomAD exomes 0.00271 and 0.00406; ExAC 0.00277; ESP Exome Variant Server 0.00288.
gnomAD v4.1: 6,245 of 1,613,972 alleles (0.39%); highest among the groups gnomAD compares: Non-Finnish European, 0.48%; 12 homozygotes.

Submissions (3):

CeGaT Center for Human Genetics Tuebingen
Classification: Benign. Last evaluated: 2024-10-01. Review status: criteria provided, single submitter. Criteria: CeGaT Center For Human Genetics Tuebingen Variant Classification Criteria Version 2. Collection method: clinical testing. Allele origin: germline. Affected: yes. Observed: 2 variant alleles.
Comment: TRPM7: BS1, BS2

Labcorp Genetics (formerly Invitae), Labcorp
Classification: Likely benign. Last evaluated: 2018-07-20. Review status: criteria provided, single submitter. Criteria: Invitae Variant Classification Sherloc (09022015). Collection method: clinical testing. Allele origin: germline.

PreventionGenetics, part of Exact Sciences
Classification: Benign for TRPM7-related condition. Last evaluated: 2019-11-27. Review status: no assertion criteria provided. Collection method: clinical testing. Allele origin: germline. Not counted in ClinVar's aggregate classification.
Comment: This variant is classified as benign based on ACMG/AMP sequence variant interpretation guidelines (Richards et al. 2015 PMID: 25741868, with internal and published modifications).

NM_017672.6(TRPM7):c.2846T>A (p.Phe949Tyr)

Gene: TRPM7 (transient receptor potential cation channel subfamily M member 7; minus strand). Cytogenetic location: 15q21.2.
Variant type: single nucleotide variant.
Coding change: c.2846T>A on transcript NM_017672.6 (MANE Select); coding-DNA position 2846, T replaced by A.
Protein change: p.Phe949Tyr; replaces phenylalanine 949 with tyrosine.
Molecular consequence: missense variant. On other transcripts: non-coding transcript variant (3).
Genome position (GRCh38, 1-based): chr15:50,605,008, A>T on the plus strand (T>A on the coding strand, the complement: TRPM7 is on the minus strand). VCF-style: chr15-50605008-A-T. GRCh37 (hg19) VCF-style: chr15-50897205-A-T.
Other names: c.2846T>A, p.Phe949Tyr (NM_001301212.2); short protein forms F949Y.
Identifiers: ClinVar variation 713636 (VCV000713636.28), dbSNP rs55681028, ClinGen allele CA7557316.
Genomic context (GRCh38, chr15:50,605,008, plus strand): 5'-ATGTTAAGACAGTAAATTAATCTTCCAGCCACAAAAACATGATTATCATATGCATTTGCA[A>T]AGTTCCATTTTGCTCCAAATCTTAGTCCAAATCCAATGAAGAAAGAAATTATGGCAATTG-3'
Protein context (NP_060142.3, residues 939-959): FGLRFGAKWN[Phe949Tyr]ANAYDNHVFV